The following is an entry in ClinVar:

NM_001065.4(TNFRSF1A):c.551+1065_551+1068del

Gene: TNFRSF1A (TNF receptor superfamily member 1A; minus strand). Cytogenetic location: 12p13.31.
Variant type: Deletion.
Coding change: c.551+1065_551+1068del on transcript NM_001065.4 (MANE Select); bases 1065 to 1068 of the intron after coding-DNA position 551, 4 bases deleted (TTTT; older notation c.551+1065_551+1068delTTTT).
Molecular consequence: intron variant.
Genome position (GRCh38, 1-based): chr12:6,332,001-6,332,004, AAAA deleted on the plus strand (TTTT on the coding strand, the reverse complement: TNFRSF1A is on the minus strand); deleting any 4 consecutive bases within chr12:6,332,001-6,332,024 gives the same sequence; the c. name uses the placement nearest the transcript's 3' end. VCF-style (leftmost placement, unchanged base first): chr12-6332000-CAAAA-C. GRCh37 (hg19) VCF-style: chr12-6441166-CAAAA-C.
Other names: c.227+1065_227+1068del (NM_001346091.2); c.-26-11_-26-8del (NM_001346092.2).
Identifiers: ClinVar variation 3033511 (VCV003033511.2), dbSNP rs750532640, ClinGen allele CA690828561.
Genomic context (GRCh38, chr12:6,332,000, plus strand): 5'-GCAGTGAGCCGAGATCGCGCCACTGCATTCCAGCCTGGGCGACAGAGCAGGACTCTGTGT[CAAAA>C]AAAAAAAAAAAAAAAAAAAAGAAGATTAATGGAAAATAAATAGTTTTGTGTCAGACGTGT-3'

ClinVar aggregate classification (germline): Likely benign (0 of 4 stars; one submission).

Conditions:
TNFRSF1A-related disorder. Also called: TNFRSF1A-related condition.

Submission:

PreventionGenetics, part of Exact Sciences
Classification: Likely benign for TNFRSF1A-related condition. Last evaluated: 2023-04-19. Review status: no assertion criteria provided. Collection method: clinical testing. Allele origin: germline.
Comment: This variant is classified as likely benign based on ACMG/AMP sequence variant interpretation guidelines (Richards et al. 2015 PMID: 25741868, with internal and published modifications).